The following is an entry in ClinVar:

ClinVar aggregate classification (germline): Pathogenic (1 of 4 stars; one submission).

Submission:

Labcorp Genetics (formerly Invitae), Labcorp
Classification: Pathogenic. Last evaluated: 2023-08-22. Review status: criteria provided, single submitter. Criteria: Invitae Variant Classification Sherloc (09022015). Collection method: clinical testing. Allele origin: germline.
Comment: This sequence change creates a premature translational stop signal (p.Ile557Asnfs*20) in the CNGB3 gene. It is expected to result in an absent or disrupted protein product. Loss-of-function variants in CNGB3 are known to be pathogenic (PMID: 28795510). This variant is not present in population databases (gnomAD no frequency). This variant has not been reported in the literature in individuals affected with CNGB3-related conditions. For these reasons, this variant has been classified as Pathogenic.

Literature cited by the submitters: PubMed 28795510.

NM_019098.5(CNGB3):c.1669dup (p.Ile557fs)

Gene: CNGB3 (cyclic nucleotide gated channel subunit beta 3; minus strand). Cytogenetic location: 8q21.3.
Variant type: Duplication.
Coding change: c.1669dup on transcript NM_019098.5 (MANE Select); coding-DNA position 1669, one base duplicated (A; older notation c.1669dupA).
Protein change: p.Ile557fs; shifts the reading frame from isoleucine 557.
Molecular consequence: frameshift variant.
Genome position (GRCh38, 1-based): chr8:86,604,205, T duplicated on the plus strand (A on the coding strand, the reverse complement: CNGB3 is on the minus strand); the first of 3 consecutive T bases (chr8:86,604,205-86,604,207); duplicating any one gives the same sequence. VCF-style (leftmost placement, unchanged base first): chr8-86604204-A-AT. GRCh37 (hg19) VCF-style: chr8-87616432-A-AT.
Other names: short protein forms I557fs.
Identifiers: ClinVar variation 2751941 (VCV002751941.3), dbSNP rs2538057887, ClinGen allele CA2697549989.
Genomic context (GRCh38, chr8:86,604,204, plus strand): 5'-CCATCAGGGCCTCCAAGAACTTGGACTTCTCCATGCTTGATGATATACATTTCCTTGCCA[A>AT]TTTCTCCCTACATTTTAAATATAAAGAGGAAATGGTAGTTACTTTATTCTTGATAATTAT-3'